The following is an entry in ClinVar:

NM_001128228.3(TPRN):c.679del (p.Ala227fs)

Gene: TPRN (taperin; minus strand). Cytogenetic location: 9q34.3.
Variant type: Deletion.
Coding change: c.679del on transcript NM_001128228.3 (MANE Select); coding-DNA position 679, one base deleted (G; older notation c.679delG).
Protein change: p.Ala227fs; shifts the reading frame from alanine 227.
Molecular consequence: frameshift variant.
Genome position (GRCh38, 1-based): chr9:137,200,033, C deleted on the plus strand (G on the coding strand, the reverse complement: TPRN is on the minus strand); the first of 2 consecutive C bases (chr9:137,200,033-137,200,034); deleting either gives the same sequence. VCF-style (leftmost placement, unchanged base first): chr9-137200032-GC-G. GRCh37 (hg19) VCF-style: chr9-140094484-GC-G.
Other names: short protein forms A227fs.
Identifiers: ClinVar variation 3767668 (VCV003767668.2).
Genomic context (GRCh38, chr9:137,200,032, plus strand): 5'-TGTCCCGACCCAGGCGGGGAGCCCGCGAGGCGGTTGGCAGGGCCGGCCCGGGGCTCAGGG[GC>G]CGAGTGCCCGTTGGAGAGCAGGCGGGCGCCCGCGCCGCGGTGCAGACCCCGGGGGTGGAC-3'

ClinVar aggregate classification (germline): Pathogenic (1 of 4 stars; one submission).

Submission:

GeneDx
Classification: Pathogenic. Last evaluated: 2025-05-23. Review status: criteria provided, single submitter. Criteria: GeneDx Variant Classification Process June 2021. Collection method: clinical testing. Allele origin: germline.
Comment: Frameshift variant predicted to result in protein truncation or nonsense mediated decay in a gene for which loss of function is a known mechanism of disease; Not observed at significant frequency in large population cohorts (gnomAD); Has not been previously published as pathogenic or benign to our knowledge